The following is an entry in ClinVar:

NM_019109.5(ALG1):c.1040G>A (p.Trp347Ter)

Gene: ALG1 (ALG1 chitobiosyldiphosphodolichol beta-mannosyltransferase; plus strand). Cytogenetic location: 16p13.3.
Variant type: single nucleotide variant.
Coding change: c.1040G>A on transcript NM_019109.5 (MANE Select); coding-DNA position 1040, G replaced by A.
Protein change: p.Trp347Ter; replaces tryptophan 347 with a stop codon.
Molecular consequence: nonsense.
Genome position (GRCh38, 1-based): chr16:5,081,024, G>A. VCF-style: chr16-5081024-G-A. GRCh37 (hg19) VCF-style: chr16-5131025-G-A.
Other names: c.707G>A, p.Trp236Ter (NM_001330504.2); short protein forms W236*, W347*.
Identifiers: ClinVar variation 3721749 (VCV003721749.2).
Genomic context (GRCh38, chr16:5,081,024, plus strand): 5'-AGTATTATAGCCGCCTCATCCACCAGAAGCACTTCCAGCACATCCAGGTCTGCACCCCCT[G>A]GCTGGAGGCCGAGGACTACCCCCTGCTTCTAGGTGAGAGGCCAGCAGGAGGCTCAGGGAG-3'

ClinVar aggregate classification (germline): Pathogenic (1 of 4 stars; one submission).

Conditions:
ALG1-congenital disorder of glycosylation. Also called: CONGENITAL DISORDER OF GLYCOSYLATION, TYPE Ik; ALG1-CDG; CDG Ik. Identifiers: Orphanet 79327, MedGen C2931005, MONDO:0012052, OMIM 608540.

Submission:

Labcorp Genetics (formerly Invitae), Labcorp
Classification: Pathogenic for ALG1-congenital disorder of glycosylation. Last evaluated: 2024-09-29. Review status: criteria provided, single submitter. Criteria: Invitae Variant Classification Sherloc (09022015). Collection method: clinical testing. Allele origin: germline.
Comment: This sequence change creates a premature translational stop signal (p.Trp347*) in the ALG1 gene. It is expected to result in an absent or disrupted protein product. Loss-of-function variants in ALG1 are known to be pathogenic (PMID: 20679665, 23806237). This variant is not present in population databases (gnomAD no frequency). This variant has not been reported in the literature in individuals affected with ALG1-related conditions. For these reasons, this variant has been classified as Pathogenic.

Literature cited by the submitters: PubMed 20679665; PubMed 23806237.